The following is an entry in ClinVar:

ClinVar aggregate classification (germline): Uncertain significance. Review status: criteria provided, multiple submitters, no conflicts (2 of 4 stars). 2 submissions from 2 submitters: Uncertain significance (2). Last evaluated 2025-08-20.

Conditions:
Hereditary cancer-predisposing syndrome. Also called: Hereditary Cancer Syndrome; Hereditary neoplastic syndrome; Tumor predisposition; Neoplastic Syndromes, Hereditary. Identifiers: Orphanet 140162, MedGen C0027672, MeSH D009386, MONDO:0015356.

Submissions (2):

Ambry Genetics
Classification: Uncertain significance for Hereditary cancer-predisposing syndrome. Last evaluated: 2025-08-20. Review status: criteria provided, single submitter. Criteria: Ambry Variant Classification Scheme 2023. Collection method: clinical testing. Allele origin: germline.
Comment: The p.T432K variant (also known as c.1295C>A), located in coding exon 7 of the DICER1 gene, results from a C to A substitution at nucleotide position 1295. The threonine at codon 432 is replaced by lysine, an amino acid with similar properties. This amino acid position is conserved. In addition, the in silico prediction for this alteration is inconclusive. Based on the available evidence, the clinical significance of this variant remains unclear.

Quest Diagnostics Nichols Institute San Juan Capistrano
Classification: Uncertain significance. Last evaluated: 2024-01-21. Review status: criteria provided, single submitter. Criteria: Quest Diagnostics criteria. Collection method: clinical testing. Allele origin: unknown.
Comment: The DICER1 c.1295C>A (p.Thr432Lys) variant has not been reported in individuals with DICER1-related conditions in the published literature. It also has not been reported in large, multi-ethnic general populations (Genome Aggregation Database). Analysis of this variant using bioinformatics tools for the prediction of the effect of amino acid changes on protein structure and function yielded predictions that this variant is benign. Based on the available information, we are unable to determine the clinical significance of this variant.

NM_177438.3(DICER1):c.1295C>A (p.Thr432Lys)

Gene: DICER1 (dicer 1, ribonuclease III; minus strand). Cytogenetic location: 14q32.13.
Variant type: single nucleotide variant.
Coding change: c.1295C>A on transcript NM_177438.3 (MANE Select); coding-DNA position 1295, C replaced by A.
Protein change: p.Thr432Lys; replaces threonine 432 with lysine.
Molecular consequence: missense variant. On other transcripts: 5 prime UTR variant (1), non-coding transcript variant (6).
Genome position (GRCh38, 1-based): chr14:95,124,277, G>T on the plus strand (C>A on the coding strand, the complement: DICER1 is on the minus strand). VCF-style: chr14-95124277-G-T. GRCh37 (hg19) VCF-style: chr14-95590614-G-T.
Other names: c.1295C>A, p.Thr432Lys (NM_001195573.1, NM_001271282.3, NM_001291628.2 and 14 more transcripts); c.1013C>A, p.Thr338Lys (NM_001395686.1); c.890C>A, p.Thr297Lys (NM_001395687.1, NM_001395688.1, NM_001395689.1 and 3 more transcripts); c.728C>A, p.Thr243Lys (NM_001395691.1); c.-274C>A (NM_001395697.1); short protein forms T338K, T432K, T243K, T297K.
Identifiers: ClinVar variation 3572328 (VCV003572328.2).